The following is an entry in ClinVar:

ClinVar aggregate classification (germline): Likely benign (1 of 4 stars; one submission).

Conditions:
MOBP-related disorder. Also called: MOBP-related condition.

Allele frequency attached by ClinVar (database versions not stated): 1000 Genomes Project 30x 0.00016; ESP Exome Variant Server 0.00018; TOPMed 0.00074; gnomAD 0.00078; gnomAD exomes 0.00086; ExAC 0.00173.
gnomAD v4.1: 1,319 of 1,560,758 alleles (0.085%); highest among the groups gnomAD compares: Non-Finnish European, 0.097%; no homozygotes.

Submission:

PreventionGenetics, part of Exact Sciences
Classification: Likely benign for MOBP-related condition. Last evaluated: 2021-09-08. Review status: criteria provided, single submitter. Criteria: ACMG Guidelines, 2015. Collection method: clinical testing. Allele origin: germline.
Comment: This variant is classified as likely benign based on ACMG/AMP sequence variant interpretation guidelines (Richards et al. 2015 PMID: 25741868, with internal and published modifications).

NM_001393704.1(MOBP):c.207-27G>A

Gene: MOBP (myelin associated oligodendrocyte basic protein; plus strand). Cytogenetic location: 3p22.1.
Variant type: single nucleotide variant.
Coding change: c.207-27G>A on transcript NM_001393704.1 (MANE Select); 27 bases into the intron before coding-DNA position 207, G replaced by A.
Molecular consequence: intron variant. On other transcripts: synonymous variant (1).
Genome position (GRCh38, 1-based): chr3:39,502,508, G>A. VCF-style: chr3-39502508-G-A. GRCh37 (hg19) VCF-style: chr3-39543999-G-A.
Other names: c.252G>A, p.Pro84= (NM_001278322.2); c.206+233G>A (NM_182935.4); c.207-27G>A (NM_001278323.2).
Identifiers: ClinVar variation 3057625 (VCV003057625.1), dbSNP rs185064368, ClinGen allele CA2328044.